The following is an entry in ClinVar:

ClinVar aggregate classification (germline): Uncertain significance (1 of 4 stars; one submission).

Conditions:
Diamond-Blackfan anemia 8 (DBA8). Also called: RPS7-Related Diamond-Blackfan Anemia. Identifiers: Orphanet 124, MedGen C2675511, MONDO:0012939, OMIM 612563.

Submission:

Labcorp Genetics (formerly Invitae), Labcorp
Classification: Uncertain significance for Diamond-Blackfan anemia 8. Last evaluated: 2024-08-04. Review status: criteria provided, single submitter. Criteria: Invitae Variant Classification Sherloc (09022015). Collection method: clinical testing. Allele origin: germline.
Comment: This sequence change replaces asparagine, which is neutral and polar, with isoleucine, which is neutral and non-polar, at codon 112 of the RPS7 protein (p.Asn112Ile). This variant is present in population databases (no rsID available, gnomAD 0.0009%). This variant has not been reported in the literature in individuals affected with RPS7-related conditions. An algorithm developed to predict the effect of missense changes on protein structure and function (PolyPhen-2) suggests that this variant is likely to be tolerated. In summary, the available evidence is currently insufficient to determine the role of this variant in disease. Therefore, it has been classified as a Variant of Uncertain Significance.

NM_001011.4(RPS7):c.335A>T (p.Asn112Ile)

Gene: RPS7 (ribosomal protein S7; plus strand). Cytogenetic location: 2p25.3.
Variant type: single nucleotide variant.
Coding change: c.335A>T on transcript NM_001011.4 (MANE Select); coding-DNA position 335, A replaced by T.
Protein change: p.Asn112Ile; replaces asparagine 112 with isoleucine.
Molecular consequence: missense variant.
Genome position (GRCh38, 1-based): chr2:3,577,753, A>T. VCF-style: chr2-3577753-A-T. GRCh37 (hg19) VCF-style: chr2-3625343-A-T.
Other names: short protein forms N112I.
Identifiers: ClinVar variation 3637901 (VCV003637901.2).